The following is an entry in ClinVar:

NM_001330078.2(NRXN1):c.1795A>G (p.Thr599Ala)

Gene: NRXN1 (neurexin 1; minus strand). Cytogenetic location: 2p16.3.
Variant type: single nucleotide variant.
Coding change: c.1795A>G on transcript NM_001330078.2 (MANE Select); coding-DNA position 1795, A replaced by G.
Protein change: p.Thr599Ala; replaces threonine 599 with alanine.
Molecular consequence: missense variant.
Genome position (GRCh38, 1-based): chr2:50,538,601, T>C on the plus strand (A>G on the coding strand, the complement: NRXN1 is on the minus strand). VCF-style: chr2-50538601-T-C. GRCh37 (hg19) VCF-style: chr2-50765739-T-C.
Other names: c.1915A>G, p.Thr639Ala (NM_001135659.3); c.1771A>G, p.Thr591Ala (NM_001330077.2, NM_001330082.2, NM_001330095.2); c.1756A>G, p.Thr586Ala (NM_001330083.2, NM_001330084.2); c.1795A>G, p.Thr599Ala (NM_001330085.2, NM_001330086.2, NM_004801.6); c.1711A>G, p.Thr571Ala (NM_001330087.2, NM_001330096.2); c.1741A>G, p.Thr581Ala (NM_001330088.2); c.1792A>G, p.Thr598Ala (NM_001330093.2); c.1783A>G, p.Thr595Ala (NM_001330094.2); short protein forms T571A, T598A, T599A, T591A, T595A, T586A, T581A, T639A.
Identifiers: ClinVar variation 3672497 (VCV003672497.2).
Genomic context (GRCh38, chr2:50,538,601, plus strand): 5'-GCAGCCCCCCCAGGTACAACTCATCATCCAGGTCCAGAATCTCACTCTCACCAGGAGCAG[T>C]GTAGGGAGTACGCAACGTGTTGACAGAAATGGTACCTATTTCAAAGAGAGGAGAATGCAC-3'
Protein context (NP_001317007.1, residues 589-609): ISVNTLRTPY[Thr599Ala]APGESEILDL

ClinVar aggregate classification (germline): Uncertain significance (1 of 4 stars; one submission).

Conditions:
Pitt-Hopkins-like syndrome 2 (PTHSL2). Identifiers: Orphanet 221150, Orphanet 600663, MedGen C3280479, MONDO:0013690, OMIM 614325.

Submission:

Labcorp Genetics (formerly Invitae), Labcorp
Classification: Uncertain significance for Pitt-Hopkins-like syndrome 2. Last evaluated: 2024-05-12. Review status: criteria provided, single submitter. Criteria: Invitae Variant Classification Sherloc (09022015). Collection method: clinical testing. Allele origin: germline.
Comment: This sequence change replaces threonine, which is neutral and polar, with alanine, which is neutral and non-polar, at codon 639 of the NRXN1 protein (p.Thr639Ala). This variant is not present in population databases (gnomAD no frequency). This variant has not been reported in the literature in individuals affected with NRXN1-related conditions. An algorithm developed to predict the effect of missense changes on protein structure and function (PolyPhen-2) suggests that this variant is likely to be tolerated. In summary, the available evidence is currently insufficient to determine the role of this variant in disease. Therefore, it has been classified as a Variant of Uncertain Significance.